The following is an entry in ClinVar:

ClinVar aggregate classification (germline): Likely pathogenic (1 of 4 stars; one submission).

Submission:

CeGaT Center for Human Genetics Tuebingen
Classification: Likely pathogenic. Last evaluated: 2023-10-01. Review status: criteria provided, single submitter. Criteria: CeGaT Center For Human Genetics Tuebingen Variant Classification Criteria Version 2. Collection method: clinical testing. Allele origin: germline. Affected: yes. Observed: 1 variant allele.
Comment: VCP: PM2, PS2:Moderate, PP2, PP3

NM_007126.5(VCP):c.166A>G (p.Thr56Ala)

Gene: VCP (valosin containing protein; minus strand). Cytogenetic location: 9p13.3.
Variant type: single nucleotide variant.
Coding change: c.166A>G on transcript NM_007126.5 (MANE Select); coding-DNA position 166, A replaced by G.
Protein change: p.Thr56Ala; replaces threonine 56 with alanine.
Molecular consequence: missense variant.
Genome position (GRCh38, 1-based): chr9:35,068,027, T>C on the plus strand (A>G on the coding strand, the complement: VCP is on the minus strand). VCF-style: chr9-35068027-T-C. GRCh37 (hg19) VCF-style: chr9-35068024-T-C.
Other names: c.31A>G, p.Thr11Ala (NM_001354927.2, NM_001354928.2); short protein forms T11A, T56A.
Identifiers: ClinVar variation 2659168 (VCV002659168.24), dbSNP rs2490373952, ClinGen allele CA373294389.